The following is an entry in ClinVar:

NM_004168.4(SDHA):c.409G>T (p.Asp137Tyr)

Gene: SDHA (succinate dehydrogenase complex flavoprotein subunit A; plus strand). Cytogenetic location: 5p15.33.
Variant type: single nucleotide variant.
Coding change: c.409G>T on transcript NM_004168.4 (MANE Select); coding-DNA position 409, G replaced by T.
Protein change: p.Asp137Tyr; replaces aspartic acid 137 with tyrosine.
Molecular consequence: missense variant. On other transcripts: intron variant (1).
Genome position (GRCh38, 1-based): chr5:225,515, G>T. VCF-style: chr5-225515-G-T. GRCh37 (hg19) VCF-style: chr5-225630-G-T.
Other names: c.409G>T, p.Asp137Tyr (NM_001330758.2); c.313-368G>T (NM_001294332.2); c.409G>T (NM_004168.2); short protein forms D137Y.
Identifiers: ClinVar variation 950222 (VCV000950222.13), dbSNP rs1734961262, ClinGen allele CA359009527.

ClinVar aggregate classification (germline): Uncertain significance. Review status: criteria provided, multiple submitters, no conflicts (2 of 4 stars). 2 submissions from 2 submitters: Uncertain significance (2). Last evaluated 2026-06-02.

Conditions:
Mitochondrial complex II deficiency, nuclear type 1. Also called: SUCCINATE CoQ REDUCTASE DEFICIENCY. Identifiers: Orphanet 3208, MedGen C5700310, MONDO:0100294, OMIM 252011.
Pheochromocytoma/paraganglioma syndrome 5. Also called: Paragangliomas 5; SDHA-Related Hereditary Paraganglioma-Pheochromocytoma Syndrome. Identifiers: Orphanet 29072, MedGen C3279992, MONDO:0013602, OMIM 614165.
Hereditary cancer-predisposing syndrome. Also called: Hereditary Cancer Syndrome; Neoplastic Syndromes, Hereditary; Tumor predisposition; Hereditary neoplastic syndrome. Identifiers: Orphanet 140162, MedGen C0027672, MeSH D009386, MONDO:0015356.

Submissions (2):

Ambry Genetics
Classification: Uncertain significance for Hereditary cancer-predisposing syndrome. Last evaluated: 2026-06-02. Review status: criteria provided, single submitter. Criteria: Ambry Variant Classification Scheme 2023. Collection method: clinical testing. Allele origin: germline.
Comment: The p.D137Y variant (also known as c.409G>T), located in coding exon 4 of the SDHA gene, results from a G to T substitution at nucleotide position 409. The aspartic acid at codon 137 is replaced by tyrosine, an amino acid with highly dissimilar properties. This amino acid position is highly conserved in available vertebrate species. In addition, this alteration is predicted to be deleterious by in silico analysis. Based on the available evidence, the clinical significance of this variant remains unclear.

Labcorp Genetics (formerly Invitae), Labcorp
Classification: Uncertain significance for Pheochromocytoma/paraganglioma syndrome 5; Mitochondrial complex II deficiency, nuclear type 1. Last evaluated: 2022-06-08. Review status: criteria provided, single submitter. Criteria: Invitae Variant Classification Sherloc (09022015). Collection method: clinical testing. Allele origin: germline.
Comment: In summary, the available evidence is currently insufficient to determine the role of this variant in disease. Therefore, it has been classified as a Variant of Uncertain Significance. Algorithms developed to predict the effect of sequence changes on RNA splicing suggest that this variant may create or strengthen a splice site. Algorithms developed to predict the effect of missense changes on protein structure and function (SIFT, PolyPhen-2, Align-GVGD) all suggest that this variant is likely to be disruptive. ClinVar contains an entry for this variant (Variation ID: 950222). This variant has not been reported in the literature in individuals affected with SDHA-related conditions. This variant is not present in population databases (gnomAD no frequency). This sequence change replaces aspartic acid, which is acidic and polar, with tyrosine, which is neutral and polar, at codon 137 of the SDHA protein (p.Asp137Tyr).